The following is an entry in ClinVar:

ClinVar aggregate classification (germline): Uncertain significance (1 of 4 stars; one submission).

Conditions:
Cardiomyopathy (CMYO). Also called: Cardiomyopathies. Identifiers: Orphanet 167848, MedGen C0878544, MONDO:0004994, HP:0001638. Inheritance: Various modes of inheritance.

gnomAD v4.1: 1 of 1,614,130 alleles (0.000062%); highest among the groups gnomAD compares: Non-Finnish European, 0.000085%; no homozygotes.

Submission:

Color Diagnostics, LLC DBA Color Health
Classification: Uncertain significance for Cardiomyopathy. Last evaluated: 2025-06-17. Review status: criteria provided, single submitter. Criteria: ACMG Guidelines, 2015. Collection method: clinical testing. Allele origin: germline.
Comment: This missense variant replaces methionine with arginine at codon 922 of the MYH7 protein. Computational prediction is inconclusive regarding the impact of this variant on protein structure and function. To our knowledge, functional studies have not been reported for this variant. This variant has not been reported in individuals affected with MYH7-related disorders in the literature. This variant has not been identified in the general population by the Genome Aggregation Database (gnomAD). The available evidence is insufficient to determine the role of this variant in disease conclusively. Therefore, this variant is classified as a Variant of Uncertain Significance.

NM_000257.4(MYH7):c.2765T>G (p.Met922Arg)

Gene: MYH7 (myosin heavy chain 7; minus strand). Cytogenetic location: 14q11.2.
Variant type: single nucleotide variant.
Coding change: c.2765T>G on transcript NM_000257.4 (MANE Select); coding-DNA position 2765, T replaced by G.
Protein change: p.Met922Arg; replaces methionine 922 with arginine.
Molecular consequence: missense variant.
Genome position (GRCh38, 1-based): chr14:23,424,064, A>C on the plus strand (T>G on the coding strand, the complement: MYH7 is on the minus strand). VCF-style: chr14-23424064-A-C. GRCh37 (hg19) VCF-style: chr14-23893273-A-C.
Other names: c.2765T>G, p.Met922Arg (NM_001407004.1); short protein forms M922R.
Identifiers: ClinVar variation 4758776 (VCV004758776.1).
Genomic context (GRCh38, chr14:23,424,064, plus strand): 5'-TTGCGCTTCTTGGCAGTGAGCTCAGCATTCATCTCCTCCTCATCCTCCAGCCTCTCGTTC[A>C]TCTCCTTCACCTTGGCCTCCAGCTGAATCTTGTTTTTGATCAGCTGATCACAGCGCTCCT-3'
Protein context (NP_000248.2, residues 912-932): KIQLEAKVKE[Met922Arg]NERLEDEEEM